The following is an entry in ClinVar:

ClinVar aggregate classification (germline): Conflicting classifications of pathogenicity. Review status: criteria provided, conflicting classifications (1 of 4 stars). 3 submissions from 3 submitters: Uncertain significance (2); Likely benign (1). Last evaluated 2024-03-28.

Conditions:
Inborn genetic diseases. Identifiers: MedGen C0950123, MeSH D030342.

Allele frequency attached by ClinVar (database versions not stated): gnomAD 0.00003 and 0.00008; TOPMed 0.00003; 1000 Genomes Project 30x 0.00016; 1000 Genomes Project 0.00020; gnomAD exomes 0.00021; ExAC 0.00031.
gnomAD v4.1: 201 of 1,614,080 alleles (0.012%); highest among the groups gnomAD compares: South Asian, 0.18%; 4 homozygotes.

Submissions (3):

Ambry Genetics
Classification: Uncertain significance for Inborn genetic diseases. Last evaluated: 2024-03-28. Review status: criteria provided, single submitter. Criteria: Ambry Variant Classification Scheme 2023. Collection method: clinical testing. Allele origin: germline.

Labcorp Genetics (formerly Invitae), Labcorp
Classification: Uncertain significance. Last evaluated: 2022-01-28. Review status: criteria provided, single submitter. Criteria: Invitae Variant Classification Sherloc (09022015). Collection method: clinical testing. Allele origin: germline.
Comment: In summary, the available evidence is currently insufficient to determine the role of this variant in disease. Therefore, it has been classified as a Variant of Uncertain Significance. Algorithms developed to predict the effect of missense changes on protein structure and function (SIFT, PolyPhen-2, Align-GVGD) all suggest that this variant is likely to be tolerated. ClinVar contains an entry for this variant (Variation ID: 1301655). This variant has not been reported in the literature in individuals affected with MBTPS1-related conditions. This variant is present in population databases (rs553862782, gnomAD 0.2%). This sequence change replaces serine, which is neutral and polar, with leucine, which is neutral and non-polar, at codon 553 of the MBTPS1 protein (p.Ser553Leu).

Dubai Health Genomic Medicine Center, Dubai Health
Classification: Likely benign. Last evaluated: 2020-01-02. Review status: criteria provided, single submitter. Criteria: ACMG Guidelines, 2015. Collection method: clinical testing. Allele origin: germline. Affected: yes.

NM_003791.4(MBTPS1):c.1658C>T (p.Ser553Leu)

Gene: MBTPS1 (membrane bound transcription factor peptidase, site 1; minus strand). Cytogenetic location: 16q23.3.
Variant type: single nucleotide variant.
Coding change: c.1658C>T on transcript NM_003791.4 (MANE Select); coding-DNA position 1658, C replaced by T.
Protein change: p.Ser553Leu; replaces serine 553 with leucine.
Molecular consequence: missense variant.
Genome position (GRCh38, 1-based): chr16:84,070,712, G>A on the plus strand (C>T on the coding strand, the complement: MBTPS1 is on the minus strand). VCF-style: chr16-84070712-G-A. GRCh37 (hg19) VCF-style: chr16-84104317-G-A.
Other names: c.1658C>T (NM_003791.2); short protein forms S553L.
Identifiers: ClinVar variation 1301655 (VCV001301655.6), dbSNP rs553862782, ClinGen allele CA8201218.